The following is an entry in ClinVar:

ClinVar aggregate classification (germline): Pathogenic (1 of 4 stars; one submission).

Conditions:
Microcephaly, normal intelligence and immunodeficiency (NBS). Also called: IMMUNODEFICIENCY, MICROCEPHALY, AND CHROMOSOMAL INSTABILITY; SEEMANOVA SYNDROME II; Nijmegen breakage syndrome; Microcephaly with normal intelligence immunodeficiency and lymphoreticular malignancies; Nonsyndromal microcephaly autosomal recessive with normal intelligence; Seemanova syndrome 2. Identifiers: Orphanet 647, MedGen C0398791, MONDO:0009623, OMIM 251260.

Submission:

Myriad Genetics, Inc.
Classification: Pathogenic for Microcephaly, normal intelligence and immunodeficiency. Last evaluated: 2026-08-08. Review status: criteria provided, single submitter. Criteria: Myriad Autosomal Dominant, Autosomal Recessive and X-Linked Classification Criteria (2023). Collection method: clinical testing. Allele origin: unknown.
Comment: NM_002485.4(NBN):c.1508delA(N503Ifs*26) is expected to be pathogenic in the context of Nijmegen breakage syndrome. This variant is predicted to lead to an abnormal or absent protein product due to the creation of a premature termination codon in NBN, a gene where loss-of-function variants are known to be pathogenic. Please note: this variant was assessed in the context of healthy population screening.

NM_002485.5(NBN):c.1508del (p.Asn503fs)

Gene: NBN (nibrin; minus strand). Cytogenetic location: 8q21.3.
Variant type: Deletion.
Coding change: c.1508del on transcript NM_002485.5 (MANE Select); coding-DNA position 1508, one base deleted (A; older notation c.1508delA).
Protein change: p.Asn503fs; shifts the reading frame from asparagine 503.
Molecular consequence: frameshift variant.
Genome position (GRCh38, 1-based): chr8:89,953,581, T deleted on the plus strand (A on the coding strand, the reverse complement: NBN is on the minus strand); the first of 5 consecutive T bases (chr8:89,953,581-89,953,585); deleting any one gives the same sequence. VCF-style (leftmost placement, unchanged base first): chr8-89953580-AT-A. GRCh37 (hg19) VCF-style: chr8-90965808-AT-A.
Other names: c.1262del, p.Asn421fs (NM_001024688.3, NM_001440379.1, NM_001440380.1); short protein forms N421fs, N503fs.
Identifiers: ClinVar variation 5016214 (VCV005016214.1).